The following is an entry in ClinVar:

ClinVar aggregate classification (germline): Uncertain significance (1 of 4 stars; one submission).

Conditions:
Joubert syndrome 23 (JBTS23). Identifiers: Orphanet 475, MedGen C4084822, MONDO:0014664, OMIM 616490.
Short-rib thoracic dysplasia 14 with polydactyly (SRTD14). Identifiers: Orphanet 397715, MedGen C4225286, MONDO:0014688, OMIM 616546.

Submission:

Labcorp Genetics (formerly Invitae), Labcorp
Classification: Uncertain significance for Joubert syndrome 23; Short-rib thoracic dysplasia 14 with polydactyly. Last evaluated: 2022-04-03. Review status: criteria provided, single submitter. Criteria: Invitae Variant Classification Sherloc (09022015). Collection method: clinical testing. Allele origin: germline.
Comment: This sequence change falls in intron 32 of the KIAA0586 gene. It does not directly change the encoded amino acid sequence of the KIAA0586 protein. It affects a nucleotide within the consensus splice site. This variant is not present in population databases (gnomAD no frequency). This variant has not been reported in the literature in individuals affected with KIAA0586-related conditions. Variants that disrupt the consensus splice site are a relatively common cause of aberrant splicing (PMID: 17576681, 9536098). Algorithms developed to predict the effect of sequence changes on RNA splicing suggest that this variant is not likely to affect RNA splicing. In summary, the available evidence is currently insufficient to determine the role of this variant in disease. Therefore, it has been classified as a Variant of Uncertain Significance.

Literature cited by the submitters: PubMed 17576681; PubMed 9536098.

NM_001329943.3(KIAA0586):c.4495+6A>G

Gene: KIAA0586 (KIAA0586; plus strand). Cytogenetic location: 14q23.1.
Variant type: single nucleotide variant.
Coding change: c.4495+6A>G on transcript NM_001329943.3 (MANE Select); 6 bases into the intron after coding-DNA position 4495, A replaced by G.
Molecular consequence: intron variant.
Genome position (GRCh38, 1-based): chr14:58,540,142, A>G. VCF-style: chr14-58540142-A-G. GRCh37 (hg19) VCF-style: chr14-59006860-A-G.
Other names: c.4654+6A>G (NM_001244189.2); c.4450+6A>G (NM_001244190.2); c.4363+6A>G (NM_001244192.2, NM_001329947.2); c.4240+6A>G (NM_001244191.2, NM_001364701.2); c.4495+6A>G (NM_001329944.2); c.4430-7639A>G (NM_001329946.2); c.4267+6A>G (NM_014749.5); c.4175-7639A>G (NM_001329945.2).
Identifiers: ClinVar variation 2121139 (VCV002121139.4), dbSNP rs2544559583, ClinGen allele CA2580088270.